The following is an entry in ClinVar:

ClinVar aggregate classification (germline): Likely benign (1 of 4 stars; one submission).

Submission:

CeGaT Center for Human Genetics Tuebingen
Classification: Likely benign. Last evaluated: 2026-01-01. Review status: criteria provided, single submitter. Criteria: CeGaT Center For Human Genetics Tuebingen Variant Classification Criteria Version 2. Collection method: clinical testing. Allele origin: germline. Affected: yes. Observed: 1 variant allele.
Comment: NACA: BP4, BP7

NM_001365896.1(NACA):c.2877G>C (p.Pro959=)

Gene: NACA (nascent polypeptide associated complex subunit alpha; minus strand). Cytogenetic location: 12q13.3.
Variant type: single nucleotide variant.
Coding change: c.2877G>C on transcript NM_001365896.1 (MANE Select); coding-DNA position 2877, G replaced by C.
Protein change: p.Pro959=; no amino-acid change (proline 959 retained).
Molecular consequence: synonymous variant. On other transcripts: intron variant (6).
Genome position (GRCh38, 1-based): chr12:56,718,653, C>G on the plus strand (G>C on the coding strand, the complement: NACA is on the minus strand). VCF-style: chr12-56718653-C-G. GRCh37 (hg19) VCF-style: chr12-57112437-C-G.
Other names: c.71-3966G>C (NM_001113202.2, NM_001320194.2, NM_001320193.2 and 2 more transcripts); c.1864+884G>C (NM_001113203.3).
Identifiers: ClinVar variation 4820963 (VCV004820963.4).